The following is an entry in ClinVar:

NM_001267550.2(TTN):c.63142_63143del (p.Glu21048fs)

Genes: TTN (titin; minus strand), TTN-AS1 (TTN antisense RNA 1; plus strand). Cytogenetic location: 2q31.2.
Variant type: Microsatellite.
Coding change: c.63142_63143del on transcript NM_001267550.2 (MANE Select); coding-DNA positions 63142 to 63143, 2 bases deleted (GA; older notation c.63142_63143delGA).
Protein change: p.Glu21048fs; shifts the reading frame from glutamic acid 21048.
Molecular consequence: frameshift variant.
Genome position (GRCh38, 1-based): chr2:178,588,582-178,588,583, TC deleted on the plus strand (GA on the coding strand, the reverse complement: TTN is on the minus strand); deleting any 2 consecutive bases within chr2:178,588,582-178,588,585 gives the same sequence; the c. name uses the placement nearest the transcript's 3' end. VCF-style (leftmost placement, unchanged base first): chr2-178588581-TTC-T. GRCh37 (hg19) VCF-style: chr2-179453308-TTC-T.
Other names: c.58219_58220del, p.Glu19407fs (NM_001256850.1); c.35947_35948del, p.Glu11983fs (NM_003319.4); c.55438_55439del, p.Glu18480fs (NM_133378.4); c.36322_36323del, p.Glu12108fs (NM_133432.3); c.36523_36524del, p.Glu12175fs (NM_133437.4); c.35947_35948delGA (NM_003319.4); short protein forms E12108fs, E18480fs, E12175fs, E21048fs, E19407fs, E11983fs.
Identifiers: ClinVar variation 2586583 (VCV002586583.2), dbSNP rs2469355092, ClinGen allele CA2582342045.
Genomic context (GRCh38, chr2:178,588,581, plus strand): 5'-AAACAAGGACATCCTACCTATGGGGTCTTTTGCCACCACCGGTCTTGAAGGCAAGCTTGG[TTC>T]TCCAATTCCAATTTCATTTTCTGCCTTGACACGGAACTGATATTCATGGTCTGGGAGGAG-3'

ClinVar aggregate classification (germline): Likely pathogenic (1 of 4 stars; one submission).

Conditions:
Cardiovascular phenotype. Identifiers: MedGen CN230736.

Submission:

Ambry Genetics
Classification: Likely pathogenic for Cardiovascular phenotype. Last evaluated: 2023-09-19. Review status: criteria provided, single submitter. Criteria: Ambry Variant Classification Scheme 2023. Collection method: clinical testing. Allele origin: germline.
Comment: The c.35947_35948delGA variant, located in coding exon 131 of the TTN gene, results from a deletion of two nucleotides at nucleotide positions 35947 to 35948, causing a translational frameshift with a predicted alternate stop codon (p.E11983Tfs*27). This exon is located in the A-band region of the N2-B isoform of the titin protein and is constitutively expressed in TTN transcripts (percent spliced in or PSI 100%). This variant is considered to be rare based on population cohorts in the Genome Aggregation Database (gnomAD). This alteration is expected to result in loss of function by premature protein truncation or nonsense-mediated mRNA decay. While truncating variants in TTN are present in 1-3% of the general population, truncating variants in the A-band are the most common cause of dilated cardiomyopathy (DCM) (Herman DS et al. N. Engl. J. Med., 2012 Feb;366:619-28; Roberts AM et al. Sci Transl Med, 2015 Jan;7:270ra6). TTN truncating variants encoded in constitutive exons (PSI >90%) have been found to be significantly associated with DCM regardless of their position in titin (Schafer S et al. Nat. Genet., 2017 01;49:46-53). Based on the majority of available evidence to date, this variant is likely to be pathogenic.